The following is an entry in ClinVar:

ClinVar aggregate classification (germline): Likely pathogenic. Review status: criteria provided, single submitter (1 of 4 stars). 2 submissions from 2 submitters: Likely pathogenic (1). 1 of the submissions does not count toward it. Last evaluated 2021-09-09.

Conditions:
Short stature, microcephaly, and endocrine dysfunction (SSMED). Identifiers: Orphanet 436182, MedGen C4225288, MONDO:0014686, OMIM 616541.

Allele frequency attached by ClinVar (database versions not stated): gnomAD exomes 0.00004.

Submissions (2):

Labcorp Genetics (formerly Invitae), Labcorp
Classification: Likely pathogenic. Last evaluated: 2021-09-09. Review status: criteria provided, single submitter. Criteria: Invitae Variant Classification Sherloc (09022015). Collection method: clinical testing. Allele origin: germline.
Comment: This premature translational stop signal has been observed in individual(s) with clinical features of XRCC4-related conditions (PMID: 26255102). In at least one individual the data is consistent with the variant being in trans (on the opposite chromosome) from a pathogenic variant. In summary, the currently available evidence indicates that the variant is pathogenic, but additional data are needed to prove that conclusively. Therefore, this variant has been classified as Likely Pathogenic. Studies have shown that this premature translational stop signal alters XRCC4 gene expression (PMID: 26255102). ClinVar contains an entry for this variant (Variation ID: 208522). This variant is not present in population databases (ExAC no frequency). This sequence change creates a premature translational stop signal (p.Asp254Metfs*68) in the XRCC4 gene. While this is not anticipated to result in nonsense mediated decay, it is expected to disrupt the last 83 amino acid(s) of the XRCC4 protein.

OMIM
Classification: Pathogenic for SHORT STATURE, MICROCEPHALY, AND ENDOCRINE DYSFUNCTION. Last evaluated: 2015-07-23. Review status: no assertion criteria provided. Collection method: literature only. Allele origin: germline. Not counted in ClinVar's aggregate classification.

Literature cited by the submitters: PubMed 26255102 (cited by Labcorp Genetics (formerly Invitae), Labcorp and OMIM).

NM_003401.5(XRCC4):c.760del (p.Asp254fs)

Gene: XRCC4 (X-ray repair cross complementing 4; plus strand). Cytogenetic location: 5q14.2.
Variant type: Deletion.
Coding change: c.760del on transcript NM_003401.5 (MANE Select); coding-DNA position 760, one base deleted (G; older notation c.760delG).
Protein change: p.Asp254fs; shifts the reading frame from aspartic acid 254.
Molecular consequence: frameshift variant.
Genome position (GRCh38, 1-based): chr5:83,258,544, G deleted. VCF-style (leftmost placement, unchanged base first): chr5-83258543-AG-A. GRCh37 (hg19) VCF-style: chr5-82554362-AG-A.
Other names: c.760del, p.Asp254fs (NM_001318012.3, NM_001318013.2, NM_022406.5 and 1 more transcripts); short protein forms D254fs.
Identifiers: ClinVar variation 208522 (VCV000208522.6), dbSNP rs879255259, ClinGen allele CA10575760.